The following is an entry in ClinVar:

NM_000384.3(APOB):c.9272C>G (p.Ala3091Gly)

Gene: APOB (apolipoprotein B; minus strand). Cytogenetic location: 2p24.1.
Variant type: single nucleotide variant.
Coding change: c.9272C>G on transcript NM_000384.3 (MANE Select); coding-DNA position 9272, C replaced by G.
Protein change: p.Ala3091Gly; replaces alanine 3091 with glycine.
Molecular consequence: missense variant.
Genome position (GRCh38, 1-based): chr2:21,007,596, G>C on the plus strand (C>G on the coding strand, the complement: APOB is on the minus strand). VCF-style: chr2-21007596-G-C. GRCh37 (hg19) VCF-style: chr2-21230468-G-C.
Other names: short protein forms A3091G.
Identifiers: ClinVar variation 3933058 (VCV003933058.1).

ClinVar aggregate classification (germline): Uncertain significance (1 of 4 stars; one submission).

Conditions:
Cardiovascular phenotype. Identifiers: MedGen CN230736.

Submission:

Ambry Genetics
Classification: Uncertain significance for Cardiovascular phenotype. Last evaluated: 2025-05-06. Review status: criteria provided, single submitter. Criteria: Ambry Variant Classification Scheme 2023. Collection method: clinical testing. Allele origin: germline.
Comment: The p.A3091G variant (also known as c.9272C>G), located in coding exon 26 of the APOB gene, results from a C to G substitution at nucleotide position 9272. The alanine at codon 3091 is replaced by glycine, an amino acid with similar properties. This amino acid position is conserved. In addition, this alteration is predicted to be tolerated by in silico analysis. Based on the available evidence, the clinical significance of this variant remains unclear.